The following is an entry in ClinVar:

ClinVar aggregate classification (germline): Uncertain significance. Review status: criteria provided, multiple submitters, no conflicts (2 of 4 stars). 2 submissions from 2 submitters: Uncertain significance (2). Last evaluated 2024-09-01.

Conditions:
Polycystic kidney disease, adult type (PKD1). Also called: Polycystic Kidney, Autosomal Dominant; Polycystic Kidney Disease 1, Autosomal Dominant; Polycystic kidney disease 1; Polycystic kidney disease 1, severe; POLYCYSTIC KIDNEY DISEASE 1 WITH OR WITHOUT POLYCYSTIC LIVER DISEASE; POLYCYSTIC KIDNEY DISEASE, ADULT, TYPE I. Identifiers: MedGen C3149841, MONDO:0008263, OMIM 173900.

Submissions (2):

CeGaT Center for Human Genetics Tuebingen
Classification: Uncertain significance. Last evaluated: 2024-09-01. Review status: criteria provided, single submitter. Criteria: CeGaT Center For Human Genetics Tuebingen Variant Classification Criteria Version 2. Collection method: clinical testing. Allele origin: germline. Affected: yes. Observed: 1 variant allele.
Comment: PKD1: PM2

Molecular Genetics, Royal Melbourne Hospital
Classification: Uncertain significance for Polycystic kidney disease, adult type. Last evaluated: 2023-03-30. Review status: criteria provided, single submitter. Criteria: ACMG Guidelines, 2015. Collection method: clinical testing. Allele origin: germline. Affected: yes.
Comment: This sequence change is predicted to replace tyrosine with aspartic acid at codon 680 of the PKD1 protein, p.(Try680Asp). There is a large physicochemical difference between tyrosine and aspartic acid. The tyrosine residue is moderately conserved (100 vertebrates, UCSC), and is present in the extracellular domain in a region of unknown function. It is absent in a large population cohort (gnomAD v2.1). The variant has not been reported before, although a variant at the same position (p.Tyr680Phe) has been classified as likely benign in ClinVar and the Autosomal Dominant Polycystic Kidney Disease: Mutation Database, based on a East Asian population frequency of 1.3% (223/17,296 alleles, 0 homozygotes in gnomAD v2.1.1). Multiple lines of computational evidence have conflicting predictions for the missense substitution (4/7 algorithms predict deleterious effect). Based on the classification scheme RMH ACMG Guidelines v1.1.1, this variant is classified as a VARIANT of UNCERTAIN SIGNIFICANCE. Following criteria are met: PM2.

NM_001009944.3(PKD1):c.2038T>G (p.Tyr680Asp)

Gene: PKD1 (polycystin 1, transient receptor potential channel interacting; minus strand). Cytogenetic location: 16p13.3.
Variant type: single nucleotide variant.
Coding change: c.2038T>G on transcript NM_001009944.3 (MANE Select); coding-DNA position 2038, T replaced by G.
Protein change: p.Tyr680Asp; replaces tyrosine 680 with aspartic acid.
Molecular consequence: missense variant.
Genome position (GRCh38, 1-based): chr16:2,115,437, A>C on the plus strand (T>G on the coding strand, the complement: PKD1 is on the minus strand). VCF-style: chr16-2115437-A-C. GRCh37 (hg19) VCF-style: chr16-2165438-A-C.
Other names: c.2038T>G, p.Tyr680Asp (NM_000296.4); short protein forms Y680D.
Identifiers: ClinVar variation 1678559 (VCV001678559.16), dbSNP rs2151816239, ClinGen allele CA394389613.